The following is an entry in ClinVar:

ClinVar aggregate classification (germline): Uncertain significance (1 of 4 stars; one submission).

Submission:

Labcorp Genetics (formerly Invitae), Labcorp
Classification: Uncertain significance. Last evaluated: 2024-09-17. Review status: criteria provided, single submitter. Criteria: Invitae Variant Classification Sherloc (09022015). Collection method: clinical testing. Allele origin: germline.
Comment: This sequence change replaces proline, which is neutral and non-polar, with arginine, which is basic and polar, at codon 682 of the DCHS1 protein (p.Pro682Arg). This variant is not present in population databases (gnomAD no frequency). This variant has not been reported in the literature in individuals affected with DCHS1-related conditions. Invitae Evidence Modeling of protein sequence and biophysical properties (such as structural, functional, and spatial information, amino acid conservation, physicochemical variation, residue mobility, and thermodynamic stability) indicates that this missense variant is not expected to disrupt DCHS1 protein function with a negative predictive value of 80%. In summary, the available evidence is currently insufficient to determine the role of this variant in disease. Therefore, it has been classified as a Variant of Uncertain Significance.

NM_003737.4(DCHS1):c.2045C>G (p.Pro682Arg)

Gene: DCHS1 (dachsous cadherin-related 1; minus strand). Cytogenetic location: 11p15.4.
Variant type: single nucleotide variant.
Coding change: c.2045C>G on transcript NM_003737.4 (MANE Select); coding-DNA position 2045, C replaced by G.
Protein change: p.Pro682Arg; replaces proline 682 with arginine.
Molecular consequence: missense variant.
Genome position (GRCh38, 1-based): chr11:6,633,962, G>C on the plus strand (C>G on the coding strand, the complement: DCHS1 is on the minus strand). VCF-style: chr11-6633962-G-C. GRCh37 (hg19) VCF-style: chr11-6655193-G-C.
Other names: short protein forms P682R.
Identifiers: ClinVar variation 3720762 (VCV003720762.2).